The following is an entry in ClinVar:

NM_002755.4(MAP2K1):c.404G>A (p.Ser135Asn)

Gene: MAP2K1 (mitogen-activated protein kinase kinase 1; plus strand). Cytogenetic location: 15q22.31.
Variant type: single nucleotide variant.
Coding change: c.404G>A on transcript NM_002755.4 (MANE Select); coding-DNA position 404, G replaced by A.
Protein change: p.Ser135Asn; replaces serine 135 with asparagine.
Molecular consequence: missense variant.
Genome position (GRCh38, 1-based): chr15:66,436,858, G>A. VCF-style: chr15-66436858-G-A. GRCh37 (hg19) VCF-style: chr15-66729196-G-A.
Other names: c.338G>A, p.Ser113Asn (NM_001411065.1); short protein forms S113N, S135N.
Identifiers: ClinVar variation 2906867 (VCV002906867.3), dbSNP rs2093489547, ClinGen allele CA392930876.

ClinVar aggregate classification (germline): Uncertain significance (1 of 4 stars; one submission).

Conditions:
RASopathy. Also called: rasopathies; Noonan spectrum disorder. Identifiers: Orphanet 536391, MedGen C5555857, MONDO:0021060.

Allele frequency attached by ClinVar (database versions not stated): gnomAD 0.00001; gnomAD exomes below 0.00001; TOPMed 0.00001.

Submission:

Labcorp Genetics (formerly Invitae), Labcorp
Classification: Uncertain significance for RASopathy. Last evaluated: 2025-12-27. Review status: criteria provided, single submitter. Criteria: Invitae Variant Classification Sherloc (09022015). Collection method: clinical testing. Allele origin: germline.
Comment: This sequence change replaces serine, which is neutral and polar, with asparagine, which is neutral and polar, at codon 135 of the MAP2K1 protein (p.Ser135Asn). This variant is not present in population databases (gnomAD no frequency). This variant has not been reported in the literature in individuals affected with MAP2K1-related conditions. ClinVar contains an entry for this variant (Variation ID: 2906867). Invitae Evidence Modeling of protein sequence and biophysical properties (such as structural, functional, and spatial information, amino acid conservation, physicochemical variation, residue mobility, and thermodynamic stability) has been performed for this missense variant. However, the output from this modeling did not meet the statistical confidence thresholds required to predict the impact of this variant on MAP2K1 protein function. In summary, the available evidence is currently insufficient to determine the role of this variant in disease. Therefore, it has been classified as a Variant of Uncertain Significance.